The following is an entry in ClinVar:

NM_001111077.2(EZR):c.1090+8G>A

Gene: EZR (ezrin; minus strand). Cytogenetic location: 6q25.3.
Variant type: single nucleotide variant.
Coding change: c.1090+8G>A on transcript NM_001111077.2 (MANE Select); 8 bases into the intron after coding-DNA position 1090, G replaced by A.
Molecular consequence: intron variant.
Genome position (GRCh38, 1-based): chr6:158,770,756, C>T on the plus strand (G>A on the coding strand, the complement: EZR is on the minus strand). VCF-style: chr6-158770756-C-T. GRCh37 (hg19) VCF-style: chr6-159191788-C-T.
Other names: c.1090+8G>A (NM_003379.5).
Identifiers: ClinVar variation 3060346 (VCV003060346.2), dbSNP rs3212308, ClinGen allele CA4075102.

ClinVar aggregate classification (germline): Benign (0 of 4 stars; one submission).

Conditions:
EZR-related disorder. Also called: EZR-related condition.

Allele frequency attached by ClinVar (database versions not stated): 1000 Genomes Project 0.33127; 1000 Genomes Project 30x 0.33448; TOPMed 0.38386; ExAC 0.40510; gnomAD 0.40551; ESP Exome Variant Server 0.42573.
gnomAD v4.1: 741,740 of 1,613,512 alleles (46%); highest among the groups gnomAD compares: Non-Finnish European, 50%; 177,659 homozygotes.

Submission:

PreventionGenetics, part of Exact Sciences
Classification: Benign for EZR-related condition. Last evaluated: 2019-10-17. Review status: no assertion criteria provided. Collection method: clinical testing. Allele origin: germline.
Comment: This variant is classified as benign based on ACMG/AMP sequence variant interpretation guidelines (Richards et al. 2015 PMID: 25741868, with internal and published modifications).